The following is an entry in ClinVar:

NM_001386298.1(CIC):c.6611C>T (p.Pro2204Leu)

Gene: CIC (capicua transcriptional repressor; plus strand). Cytogenetic location: 19q13.2.
Variant type: single nucleotide variant.
Coding change: c.6611C>T on transcript NM_001386298.1 (MANE Select); coding-DNA position 6611, C replaced by T.
Protein change: p.Pro2204Leu; replaces proline 2204 with leucine.
Molecular consequence: missense variant.
Genome position (GRCh38, 1-based): chr19:42,293,680, C>T. VCF-style: chr19-42293680-C-T. GRCh37 (hg19) VCF-style: chr19-42797832-C-T.
Other names: c.3884C>T (NM_015125.4, NM_015125.3); c.6611C>T, p.Pro2204Leu (NM_001304815.2, NM_001379482.1); c.6608C>T, p.Pro2203Leu (NM_001379480.1); c.3884C>T, p.Pro1295Leu (NM_001379484.1, NM_001379485.1, NM_015125.5); short protein forms P1295L, P2203L, P2204L.
Identifiers: ClinVar variation 1690745 (VCV001690745.10), dbSNP rs374363627, ClinGen allele CA9472775.

ClinVar aggregate classification (germline): Likely benign. Review status: criteria provided, multiple submitters, no conflicts (2 of 4 stars). 5 submissions from 5 submitters: Likely benign (5). Last evaluated 2026-03-01.

Conditions:
Intellectual developmental disorder, autosomal dominant 45. Also called: Intellectual disability, autosomal dominant 45; MENTAL RETARDATION, AUTOSOMAL DOMINANT 45. Identifiers: MedGen C4539848, MONDO:0030910, OMIM 617600.
Inborn genetic diseases. Identifiers: MedGen C0950123, MeSH D030342.

Allele frequency attached by ClinVar (database versions not stated): gnomAD exomes 0.00010 and 0.00011; ExAC 0.00012; ESP Exome Variant Server 0.00023; gnomAD 0.00023 and 0.00025; TOPMed 0.00026.
gnomAD v4.1: 196 of 1,612,618 alleles (0.012%); highest among the groups gnomAD compares: African/African-American, 0.039%; 1 homozygote.

Submissions (5):

CeGaT Center for Human Genetics Tuebingen
Classification: Likely benign. Last evaluated: 2026-03-01. Review status: criteria provided, single submitter. Criteria: CeGaT Center For Human Genetics Tuebingen Variant Classification Criteria Version 2. Collection method: clinical testing. Allele origin: germline. Affected: yes. Observed: 1 variant allele.
Comment: CIC: BS1

Ambry Genetics
Classification: Likely benign for Inborn genetic diseases. Last evaluated: 2024-06-17. Review status: criteria provided, single submitter. Criteria: Ambry Variant Classification Scheme 2023. Collection method: clinical testing. Allele origin: germline.

Revvity Omics, Revvity
Classification: Likely benign for Intellectual developmental disorder, autosomal dominant 45. Last evaluated: 2023-11-01. Review status: criteria provided, single submitter. Criteria: ACMG Guidelines, 2015. Collection method: clinical testing. Allele origin: germline.

Fulgent Genetics
Classification: Likely benign for Intellectual developmental disorder, autosomal dominant 45. Last evaluated: 2021-12-13. Review status: criteria provided, single submitter. Criteria: ACMG Guidelines, 2015. Collection method: clinical testing. Allele origin: unknown.

Laboratorio de Genetica e Diagnostico Molecular, Hospital Israelita Albert Einstein
Classification: Likely benign. Last evaluated: 2019-12-16. Review status: criteria provided, single submitter. Criteria: ACMG Guidelines, 2015. Collection method: clinical testing. Allele origin: germline. Affected: yes.
Comment: ACMG classification criteria: PM2, BS2, BP4